The following is an entry in ClinVar:

NM_000187.4(HGD):c.607del (p.Val203fs)

Gene: HGD (homogentisate 1,2-dioxygenase; minus strand). Cytogenetic location: 3q13.33.
Variant type: Deletion.
Coding change: c.607del on transcript NM_000187.4 (MANE Select); coding-DNA position 607, one base deleted (G; older notation c.607delG).
Protein change: p.Val203fs; shifts the reading frame from valine 203.
Molecular consequence: frameshift variant.
Genome position (GRCh38, 1-based): chr3:120,646,309, C deleted on the plus strand (G on the coding strand, the reverse complement: HGD is on the minus strand); the first of 2 consecutive C bases (chr3:120,646,309-120,646,310); deleting either gives the same sequence. VCF-style (leftmost placement, unchanged base first): chr3-120646308-AC-A. GRCh37 (hg19) VCF-style: chr3-120365155-AC-A.
Other names: short protein forms V203fs.
Identifiers: ClinVar variation 5011342 (VCV005011342.1).

ClinVar aggregate classification (germline): Pathogenic (1 of 4 stars; one submission).

Conditions:
Alkaptonuria (AKU). Also called: HOMOGENTISIC ACID OXIDASE DEFICIENCY; Alcaptonuria; Homogentisic acidura; Alkaptonuric ochronosis. Identifiers: Orphanet 56, MedGen C0002066, MONDO:0008753, OMIM 203500.

Submission:

Myriad Genetics, Inc.
Classification: Pathogenic for Alkaptonuria. Last evaluated: 2023-08-14. Review status: criteria provided, single submitter. Criteria: Myriad Autosomal Dominant, Autosomal Recessive and X-Linked Classification Criteria (2023). Collection method: clinical testing. Allele origin: unknown.
Comment: NM_000187.3(HGD):c.607delG(V203Sfs*26) is expected to be pathogenic in the context of alkaptonuria. This variant is predicted to lead to an abnormal or absent protein product due to the creation of a premature termination codon in HGD, a gene where loss-of-function variants are known to be pathogenic. Please note: this variant was assessed in the context of healthy population screening.